The following is an entry in ClinVar:

ClinVar aggregate classification (germline): Uncertain significance (1 of 4 stars; one submission).

Submission:

Labcorp Genetics (formerly Invitae), Labcorp
Classification: Uncertain significance. Last evaluated: 2022-05-12. Review status: criteria provided, single submitter. Criteria: Invitae Variant Classification Sherloc (09022015). Collection method: clinical testing. Allele origin: germline.
Comment: In summary, the available evidence is currently insufficient to determine the role of this variant in disease. Therefore, it has been classified as a Variant of Uncertain Significance. Algorithms developed to predict the effect of missense changes on protein structure and function are either unavailable or do not agree on the potential impact of this missense change (SIFT: "Deleterious"; PolyPhen-2: "Probably Damaging"; Align-GVGD: "Class C15"). This variant has not been reported in the literature in individuals affected with KAT6A-related conditions. This variant is not present in population databases (gnomAD no frequency). This sequence change replaces tyrosine, which is neutral and polar, with cysteine, which is neutral and slightly polar, at codon 517 of the KAT6A protein (p.Tyr517Cys).

NM_006766.5(KAT6A):c.1550A>G (p.Tyr517Cys)

Gene: KAT6A (lysine acetyltransferase 6A; minus strand). Cytogenetic location: 8p11.21.
Variant type: single nucleotide variant.
Coding change: c.1550A>G on transcript NM_006766.5 (MANE Select); coding-DNA position 1550, A replaced by G.
Protein change: p.Tyr517Cys; replaces tyrosine 517 with cysteine.
Molecular consequence: missense variant.
Genome position (GRCh38, 1-based): chr8:41,955,344, T>C on the plus strand (A>G on the coding strand, the complement: KAT6A is on the minus strand). VCF-style: chr8-41955344-T-C. GRCh37 (hg19) VCF-style: chr8-41812862-T-C.
Other names: c.1550A>G, p.Tyr517Cys (NM_001305878.2); short protein forms Y517C.
Identifiers: ClinVar variation 1993870 (VCV001993870.4), dbSNP rs2486743955, ClinGen allele CA371074596.